The following is an entry in ClinVar:

ClinVar aggregate classification (germline): Uncertain significance. Review status: criteria provided, multiple submitters, no conflicts (2 of 4 stars). 2 submissions from 2 submitters: Uncertain significance (2). Last evaluated 2025-10-23.

Allele frequency attached by ClinVar (database versions not stated): TOPMed below 0.00001; ExAC 0.00001; gnomAD exomes below 0.00001; gnomAD 0.00001.
gnomAD v4.1: 7 of 1,589,064 alleles (0.00044%); highest among the groups gnomAD compares: Admixed American, 0.0017%; no homozygotes.

Submissions (2):

Ambry Genetics
Classification: Uncertain significance. Last evaluated: 2025-10-23. Review status: criteria provided, single submitter. Criteria: Ambry Variant Classification Scheme 2023. Collection method: clinical testing. Allele origin: germline.

Labcorp Genetics (formerly Invitae), Labcorp
Classification: Uncertain significance. Last evaluated: 2023-08-04. Review status: criteria provided, single submitter. Criteria: Invitae Variant Classification Sherloc (09022015). Collection method: clinical testing. Allele origin: germline.
Comment: In summary, the available evidence is currently insufficient to determine the role of this variant in disease. Therefore, it has been classified as a Variant of Uncertain Significance. An algorithm developed to predict the effect of missense changes on protein structure and function (PolyPhen-2) suggests that this variant is likely to be disruptive. ClinVar contains an entry for this variant (Variation ID: 2070331). This variant has not been reported in the literature in individuals affected with RUSC2-related conditions. The frequency data for this variant in the population databases is considered unreliable, as metrics indicate poor data quality at this position in the gnomAD database. This sequence change replaces arginine, which is basic and polar, with glutamine, which is neutral and polar, at codon 1212 of the RUSC2 protein (p.Arg1212Gln).

NM_014806.5(RUSC2):c.3635G>A (p.Arg1212Gln)

Gene: RUSC2 (RUN and SH3 domain containing 2; plus strand). Cytogenetic location: 9p13.3.
Variant type: single nucleotide variant.
Coding change: c.3635G>A on transcript NM_014806.5 (MANE Select); coding-DNA position 3635, G replaced by A.
Protein change: p.Arg1212Gln; replaces arginine 1212 with glutamine.
Molecular consequence: missense variant. On other transcripts: non-coding transcript variant (1).
Genome position (GRCh38, 1-based): chr9:35,560,275, G>A. VCF-style: chr9-35560275-G-A. GRCh37 (hg19) VCF-style: chr9-35560272-G-A.
Other names: c.3635G>A, p.Arg1212Gln (NM_001135999.2); c.1001G>A, p.Arg334Gln (NM_001330740.2); c.3635G>A (NM_001135999.1); short protein forms R1212Q, R334Q.
Identifiers: ClinVar variation 2070331 (VCV002070331.3), dbSNP rs772271128, ClinGen allele CA5044209.